The following is an entry in ClinVar:

NM_000346.4(SOX9):c.632C>T (p.Ser211Leu)

Gene: SOX9 (SRY-box transcription factor 9; plus strand). Cytogenetic location: 17q24.3.
Variant type: single nucleotide variant.
Coding change: c.632C>T on transcript NM_000346.4 (MANE Select); coding-DNA position 632, C replaced by T.
Protein change: p.Ser211Leu; replaces serine 211 with leucine.
Molecular consequence: missense variant.
Genome position (GRCh38, 1-based): chr17:72,122,919, C>T. VCF-style: chr17-72122919-C-T. GRCh37 (hg19) VCF-style: chr17-70119060-C-T.
Other names: short protein forms S211L.
Identifiers: ClinVar variation 2869450 (VCV002869450.3), dbSNP rs2143246961, ClinGen allele CA400866713.
Genomic context (GRCh38, chr17:72,122,919, plus strand): 5'-AGGCCACGGAGCAGACGCACATCTCCCCCAACGCCATCTTCAAGGCGCTGCAGGCCGACT[C>T]GCCACACTCCTCCTCCGGCATGAGCGAGGTGCACTCCCCCGGCGAGCACTCGGGTGAGTC-3'
Protein context (NP_000337.1, residues 201-221): NAIFKALQAD[Ser211Leu]PHSSSGMSEV

ClinVar aggregate classification (germline): Uncertain significance (1 of 4 stars; one submission).

Conditions:
Camptomelic dysplasia (CMPD). Also called: Campomelic Dysplasia; CMPD1/SRA1. Identifiers: Orphanet 140, MedGen C1861922, MONDO:0007251, OMIM 114290.

Allele frequency attached by ClinVar (database versions not stated): gnomAD exomes below 0.00001.
gnomAD v4.1: 2 of 1,614,104 alleles (0.00012%); highest among the groups gnomAD compares: Non-Finnish European, 0.00017%; no homozygotes.

Submission:

Labcorp Genetics (formerly Invitae), Labcorp
Classification: Uncertain significance for Camptomelic dysplasia. Last evaluated: 2022-12-24. Review status: criteria provided, single submitter. Criteria: Invitae Variant Classification Sherloc (09022015). Collection method: clinical testing. Allele origin: germline.
Comment: Advanced modeling of protein sequence and biophysical properties (such as structural, functional, and spatial information, amino acid conservation, physicochemical variation, residue mobility, and thermodynamic stability) has been performed at Invitae for this missense variant, however the output from this modeling did not meet the statistical confidence thresholds required to predict the impact of this variant on SOX9 protein function. In summary, the available evidence is currently insufficient to determine the role of this variant in disease. Therefore, it has been classified as a Variant of Uncertain Significance. This sequence change replaces serine, which is neutral and polar, with leucine, which is neutral and non-polar, at codon 211 of the SOX9 protein (p.Ser211Leu). This variant has not been reported in the literature in individuals affected with SOX9-related conditions. This variant is not present in population databases (gnomAD no frequency).